The following is an entry in ClinVar:

ClinVar aggregate classification (germline): Uncertain significance. Review status: criteria provided, multiple submitters, no conflicts (2 of 4 stars). 5 submissions from 5 submitters: Uncertain significance (4). 1 of the submissions does not count toward it. Last evaluated 2025-07-07.

Conditions:
Inborn genetic diseases. Identifiers: MedGen C0950123, MeSH D030342.
Sialuria. Also called: SIALURIA, FRENCH TYPE; Sialic Acid Storage Disease. Identifiers: Orphanet 3166, MedGen C0342853, MONDO:0010028, OMIM 269921.
GNE myopathy (NM). Also called: NONAKA DISTAL MYOPATHY; MYOPATHY, DISTAL, WITH OR WITHOUT RIMMED VACUOLES; INCLUSION BODY MYOPATHY, HEREDITARY, AUTOSOMAL RECESSIVE; INCLUSION BODY MYOPATHY 2, AUTOSOMAL RECESSIVE; IBM 2; Inclusion body myopathy autosomal recessive. Identifiers: Orphanet 602, MedGen C1853926, MONDO:0011603, OMIM 605820.

Allele frequency attached by ClinVar (database versions not stated): gnomAD exomes below 0.00001.
gnomAD v4.1: 2 of 1,603,690 alleles (0.00012%); highest among the groups gnomAD compares: Admixed American, 0.0017%; no homozygotes.

Submissions (5):

Labcorp Genetics (formerly Invitae), Labcorp
Classification: Uncertain significance for Sialuria; GNE myopathy. Last evaluated: 2025-07-07. Review status: criteria provided, single submitter. Criteria: Invitae Variant Classification Sherloc (09022015). Collection method: clinical testing. Allele origin: germline.
Comment: This sequence change affects codon 458 of the GNE mRNA. It is a 'silent' change, meaning that it does not change the encoded amino acid sequence of the GNE protein. This variant also falls at the last nucleotide of exon 7, which is part of the consensus splice site for this exon. This variant is not present in population databases (gnomAD no frequency). This variant has not been reported in the literature in individuals affected with GNE-related conditions. ClinVar contains an entry for this variant (Variation ID: 460451). Variants that disrupt the consensus splice site are a relatively common cause of aberrant splicing (PMID: 17576681, 9536098). Algorithms developed to predict the effect of sequence changes on RNA splicing suggest that this variant may disrupt the consensus splice site. In summary, the available evidence is currently insufficient to determine the role of this variant in disease. Therefore, it has been classified as a Variant of Uncertain Significance.

Ambry Genetics
Classification: Uncertain significance for Inborn genetic diseases. Last evaluated: 2022-07-21. Review status: criteria provided, single submitter. Criteria: Ambry Variant Classification Scheme 2023. Collection method: clinical testing. Allele origin: germline.
Comment: Occurs in the last base pair of the exon Based on insufficient or conflicting evidence, the clinical significance of this alteration remains unclear.

Women's Health and Genetics/Laboratory Corporation of America, LabCorp
Classification: Uncertain significance. Last evaluated: 2021-12-01. Review status: criteria provided, single submitter. Criteria: LabCorp Variant Classification Summary - May 2015. Collection method: clinical testing. Allele origin: germline.
Comment: Variant summary: GNE c.1374G>A (p.Lys458Lys) alters a conserved nucleotide located to the last nucleotide of exon 7, therefor it could affect mRNA splicing, leading to a significantly altered protein sequence. Several computational tools predict a significant impact on normal splicing: two predict the variant abolishes a 5' splicing donor site, and two predict the variant weakens a 5' donor site. However, these predictions have yet to be confirmed by functional studies. The variant was absent in 251416 control chromosomes (gnomAD). The available data on variant occurrences in the general population are insufficient to allow any conclusion about variant significance. To our knowledge, no occurrence of c.1374G>A in individuals affected with Inclusion Body Myopathy 2 and no experimental evidence demonstrating its impact on protein function have been reported. Two clinical diagnostic laboratories have submitted clinical-significance assessments for this variant to ClinVar after 2014, and both of them classified the variant as uncertain significance. Based on the evidence outlined above, the variant was classified as uncertain significance.

Eurofins Ntd Llc (ga)
Classification: Uncertain significance. Last evaluated: 2017-01-19. Review status: criteria provided, single submitter. Criteria: EGL Classification Definitions 2015. Collection method: clinical testing. Allele origin: germline. Observed: 1 variant allele, 1 heterozygote.

Natera, Inc.
Classification: Uncertain significance for Nonaka myopathy. Last evaluated: 2021-08-06. Review status: no assertion criteria provided. Collection method: clinical testing. Allele origin: germline. Not counted in ClinVar's aggregate classification.

Literature cited by the submitters: PubMed 17576681 (cited by Labcorp Genetics (formerly Invitae), Labcorp); PubMed 9536098 (cited by Labcorp Genetics (formerly Invitae), Labcorp).

NM_005476.7(GNE):c.1281G>A (p.Lys427=)

Gene: GNE (glucosamine (UDP-N-acetyl)-2-epimerase/N-acetylmannosamine kinase; minus strand). Cytogenetic location: 9p13.3.
Variant type: single nucleotide variant.
Coding change: c.1281G>A on transcript NM_005476.7 (MANE Select); coding-DNA position 1281, G replaced by A.
Protein change: p.Lys427=; no amino-acid change (lysine 427 retained).
Molecular consequence: synonymous variant.
Genome position (GRCh38, 1-based): chr9:36,227,248, C>T on the plus strand (G>A on the coding strand, the complement: GNE is on the minus strand). VCF-style: chr9-36227248-C-T. GRCh37 (hg19) VCF-style: chr9-36227245-C-T.
Other names: c.1374G>A, p.Lys458= (NM_001128227.3); c.1281G>A, p.Lys427= (NM_001190383.3); c.951G>A, p.Lys317= (NM_001190384.3); c.1104G>A, p.Lys368= (NM_001190388.2, NM_001374798.1); c.1128G>A, p.Lys376= (NM_001374797.1).
Identifiers: ClinVar variation 460451 (VCV000460451.12), dbSNP rs1554659670, ClinGen allele CA464495519.